The following is an entry in ClinVar:

ClinVar aggregate classification (germline): Uncertain significance (1 of 4 stars; one submission).

Conditions:
Cystic fibrosis (CF). Also called: MUCOVISCIDOSIS. Identifiers: Orphanet 586, MedGen C0010674, MONDO:0009061, OMIM 219700. Disease mechanism: loss of function.

Submission:

Labcorp Genetics (formerly Invitae), Labcorp
Classification: Uncertain significance for Cystic fibrosis. Last evaluated: 2017-05-03. Review status: criteria provided, single submitter. Criteria: Invitae Variant Classification Sherloc (09022015). Collection method: clinical testing. Allele origin: germline.
Comment: In summary, this variant is a novel missense change with uncertain impact on protein function. It has been classified as a Variant of Uncertain Significance. Algorithms developed to predict the effect of missense changes on protein structure and function do not agree on the potential impact of this missense change (SIFT: "Deleterious"; PolyPhen-2: "Probably Damaging"; Align-GVGD: "Class C0"). This variant is not present in population databases (ExAC no frequency) and has not been reported in the literature in individuals with a CFTR-related disease. This sequence change replaces glycine with tryptophan at codon 314 of the CFTR protein (p.Gly314Trp). The glycine residue is moderately conserved and there is a large physicochemical difference between glycine and tryptophan.

NM_000492.4(CFTR):c.940G>T (p.Gly314Trp)

Gene: CFTR (CF transmembrane conductance regulator; plus strand). Cytogenetic location: 7q31.2.
Variant type: single nucleotide variant.
Coding change: c.940G>T on transcript NM_000492.4 (MANE Select); coding-DNA position 940, G replaced by T.
Protein change: p.Gly314Trp; replaces glycine 314 with tryptophan.
Molecular consequence: missense variant.
Genome position (GRCh38, 1-based): chr7:117,540,170, G>T. VCF-style: chr7-117540170-G-T. GRCh37 (hg19) VCF-style: chr7-117180224-G-T.
Other names: short protein forms G314W.
Identifiers: ClinVar variation 455783 (VCV000455783.8), dbSNP rs397508819, ClinGen allele CA368978360.